The following is an entry in ClinVar:

ClinVar aggregate classification (germline): not provided (0 of 4 stars; one submission).

Conditions:
Gestational diabetes mellitus uncontrolled. Identifiers: MedGen C3532257.

Submission:

Institute of Molecular and Cell Biology, University of Tartu
No classification provided. Condition: Gestational diabetes mellitus uncontrolled. Review status: no classification provided. Collection method: case-control. Allele origin: unknown. Affected: yes. Study: Kasak2014.
Comment: The study aimed to determine the contribution of copy number variants in the genetic etiology of normal and complicated pregnancies. The samples represented (i) maternal blood DNA drawn from healthy pregnant women during 1st or 2nd trimester and (ii) maternal and paternal blood DNA drawn at term pregnancy cases representing normal and complicated gestations (severe preeclampsia, PE; gestational diabetes, GD; small-for-gestational age newborn, SGA; large-for-gestational age newborn, LGA). We performed CNV calling based on genome-wide genotyping dataset (Illumina HumanOmniExpress-24-v1 BeadChip) by applying three algorithms, QuantiSNP, GADA (Genome Alteration Detection Algorithm) and CNstream in parallel. The acquired CNV calls were merged with HD-CNV (Hotspot Detector for Copy Number Variants) program and only the CNVs predicted by at least two programs, were considered in subsequent analysis.

Literature cited by the submitters: PubMed 25666259.

NM_198179.3(QRFPR):c.340+11600_340+16200del

Gene: QRFPR (pyroglutamylated RFamide peptide receptor; minus strand). Cytogenetic location: 4q27.
Variant type: Deletion.
Coding change: c.340+11600_340+16200del on transcript NM_198179.3 (MANE Select); bases 11600 to 16200 of the intron after coding-DNA position 340, 4,601 bases deleted.
Molecular consequence: intron variant.
Genome position (GRCh38, 1-based): chr4:121,364,108-121,368,708, 4,601 bases deleted. GRCh37 (hg19): chr4:122,285,264-122,289,864.
Identifiers: ClinVar variation 156931 (VCV000156931.2), ClinGen allele CA212089.